The following is an entry in ClinVar:

ClinVar aggregate classification (germline): Likely benign. Review status: criteria provided, multiple submitters, no conflicts (2 of 4 stars). 4 submissions from 4 submitters: Likely benign (4). Last evaluated 2026-09-12.

Conditions:
SERPINB6-related disorder. Also called: SERPINB6-related condition.

Allele frequency attached by ClinVar (database versions not stated): ExAC 0.00007; ESP Exome Variant Server 0.00008; gnomAD exomes 0.00008 and 0.00015; gnomAD 0.00017 and 0.00019; TOPMed 0.00025.
gnomAD v4.1: 248 of 1,614,084 alleles (0.015%); highest among the groups gnomAD compares: Admixed American, 0.05%; no homozygotes.

Submissions (4):

PreventionGenetics, part of Exact Sciences
Classification: Likely benign for SERPINB6-related condition. Last evaluated: 2026-09-12. Review status: criteria provided, single submitter. Criteria: ACMG Guidelines, 2015. Collection method: clinical testing. Allele origin: germline.
Comment: This variant is classified as likely benign based on ACMG/AMP sequence variant interpretation guidelines (Richards et al. 2015 PMID: 25741868, with internal and published modifications).

Blueprint Genetics
Classification: Likely benign. Last evaluated: 2024-09-09. Review status: criteria provided, single submitter. Criteria: ACMG Guidelines, 2015. Collection method: clinical testing. Allele origin: germline.

GeneDx
Classification: Likely benign. Last evaluated: 2021-01-11. Review status: criteria provided, single submitter. Criteria: GeneDx Variant Classification Process June 2021. Collection method: clinical testing. Allele origin: germline. Affected: yes.

Labcorp Genetics (formerly Invitae), Labcorp
Classification: Likely benign. Last evaluated: 2018-08-16. Review status: criteria provided, single submitter. Criteria: Invitae Variant Classification Sherloc (09022015). Collection method: clinical testing. Allele origin: germline.

NM_004568.6(SERPINB6):c.69C>T (p.Asn23=)

Gene: SERPINB6 (serpin family B member 6; minus strand). Cytogenetic location: 6p25.2.
Variant type: single nucleotide variant.
Coding change: c.69C>T on transcript NM_004568.6 (MANE Select); coding-DNA position 69, C replaced by T.
Protein change: p.Asn23=; no amino-acid change (asparagine 23 retained).
Molecular consequence: synonymous variant. On other transcripts: non-coding transcript variant (1), intron variant (1).
Genome position (GRCh38, 1-based): chr6:2,959,264, G>A on the plus strand (C>T on the coding strand, the complement: SERPINB6 is on the minus strand). VCF-style: chr6-2959264-G-A. GRCh37 (hg19) VCF-style: chr6-2959498-G-A.
Other names: c.81C>T, p.Asn27= (NM_001195291.3, NM_001374515.1); c.111C>T, p.Asn37= (NM_001271822.2); c.126C>T, p.Asn42= (NM_001271823.2); c.69C>T, p.Asn23= (NM_001271824.2, NM_001271825.2, NM_001297699.2 and 2 more transcripts); c.34-3594C>T (NM_001374517.1).
Identifiers: ClinVar variation 760028 (VCV000760028.7), dbSNP rs148849865, ClinGen allele CA3617662.
Genomic context (GRCh38, chr6:2,959,264, plus strand): 5'-CATGTAGACCATGGCCAGGGCACAGGACATGCTCATGGGTGAGAAAAACACATTCTTCGA[G>A]TTGTCTTTACCCAGCGTTTTCAAAAGGTTTAAGGCAAAGGTGCCATTTGCTTCTGCGAGA-3'
Protein context (NP_004559.4, residues 13-33): LNLLKTLGKD[Asn23=]SKNVFFSPMS